The following is an entry in ClinVar:

ClinVar aggregate classification (germline): Uncertain significance (1 of 4 stars; one submission).

gnomAD v4.1: 1 of 1,614,078 alleles (0.000062%); highest among the groups gnomAD compares: African/African-American, 0.0013%; no homozygotes.

Submission:

GeneDx
Classification: Uncertain significance. Last evaluated: 2024-04-21. Review status: criteria provided, single submitter. Criteria: GeneDx Variant Classification Process June 2021. Collection method: clinical testing. Allele origin: germline. Affected: yes.
Comment: Not observed at significant frequency in large population cohorts (gnomAD); In silico analysis indicates that this missense variant does not alter protein structure/function; Has not been previously published as pathogenic or benign to our knowledge

NM_005068.3(SIM1):c.2029T>C (p.Tyr677His)

Gene: SIM1 (SIM bHLH transcription factor 1; minus strand). Cytogenetic location: 6q16.3.
Variant type: single nucleotide variant.
Coding change: c.2029T>C on transcript NM_005068.3 (MANE Select); coding-DNA position 2029, T replaced by C.
Protein change: p.Tyr677His; replaces tyrosine 677 with histidine.
Molecular consequence: missense variant.
Genome position (GRCh38, 1-based): chr6:100,390,633, A>G on the plus strand (T>C on the coding strand, the complement: SIM1 is on the minus strand). VCF-style: chr6-100390633-A-G. GRCh37 (hg19) VCF-style: chr6-100838509-A-G.
Other names: c.2029T>C, p.Tyr677His (NM_001374769.1); short protein forms Y677H.
Identifiers: ClinVar variation 3372861 (VCV003372861.1).
Genomic context (GRCh38, chr6:100,390,633, plus strand): 5'-TTGGAGAGACAGTAGGGTGGTCTCCTGCTGTCTGATGAGGAGATATATCCGAATGCAGAT[A>G]GTCTTTAGCTAGGATCAAACTGGATTTTGAAATGCGATCCGAATTGGGACTACTTATCCG-3'
Protein context (NP_005059.2, residues 667-687): SKSSLILAKD[Tyr677His]LHSDISPHQT